The following is an entry in ClinVar:

NM_001372.4(DNAH9):c.6316dup (p.Arg2106fs)

Gene: DNAH9 (dynein axonemal heavy chain 9; plus strand). Cytogenetic location: 17p12.
Variant type: Duplication.
Coding change: c.6316dup on transcript NM_001372.4 (MANE Select); coding-DNA position 6316, one base duplicated (A; older notation c.6316dupA).
Protein change: p.Arg2106fs; shifts the reading frame from arginine 2106.
Molecular consequence: frameshift variant.
Genome position (GRCh38, 1-based): chr17:11,745,001, A duplicated. VCF-style (leftmost placement, unchanged base first): chr17-11745000-G-GA. GRCh37 (hg19) VCF-style: chr17-11648317-G-GA.
Other names: short protein forms R2106fs.
Identifiers: ClinVar variation 4854497 (VCV004854497.1).
Genomic context (GRCh38, chr17:11,745,000, plus strand): 5'-TGACATGCCCATCTTCATGGGCCTGATCGGGGACCTCTTTCCCGCCCTGGATGTCCCCCG[G>GA]AGGAGAGACCCCAACTTCGAAGCTTTGGTTAGGAAGGCGATAGTGGATCTGAAGCTCCAG-3'

ClinVar aggregate classification (germline): Likely pathogenic (1 of 4 stars; one submission).

Conditions:
Ciliary dyskinesia, primary, 40. Also called: CILIARY DYSKINESIA, PRIMARY, 40, WITH OR WITHOUT SITUS INVERSUS. Identifiers: MedGen C4749028, MONDO:0032664, OMIM 618300.

Submission:

3billion
Classification: Likely pathogenic for Ciliary dyskinesia, primary, 40. Last evaluated: 2025-12-04. Review status: criteria provided, single submitter. Criteria: ACMG Guidelines, 2015. Collection method: clinical testing. Allele origin: germline. Affected: yes.
Comment: The variant is observed at an extremely low frequency in the gnomAD v4.1.0 dataset (total allele frequency: <0.001%). Predicted Consequence/Location: Frameshift: predicted to result in a loss or disruption of normal protein function through nonsense-mediated decay (NMD) or protein truncation. Multiple pathogenic variants are reported downstream of the variant. Therefore, this variant is classified as Likely pathogenic according to the recommendation of ACMG/AMP guideline.